The following is an entry in ClinVar:

ClinVar aggregate classification (germline): Uncertain significance (1 of 4 stars; one submission).

Submission:

Labcorp Genetics (formerly Invitae), Labcorp
Classification: Uncertain significance. Last evaluated: 2021-04-21. Review status: criteria provided, single submitter. Criteria: Invitae Variant Classification Sherloc (09022015). Collection method: clinical testing. Allele origin: germline.
Comment: In summary, the available evidence is currently insufficient to determine the role of this variant in disease. Therefore, it has been classified as a Variant of Uncertain Significance. Algorithms developed to predict the effect of missense changes on protein structure and function are either unavailable or do not agree on the potential impact of this missense change (SIFT: "Deleterious"; PolyPhen-2: "Probably Damaging"; Align-GVGD: "Class C0"). This variant has not been reported in the literature in individuals with CTNNA1-related conditions. This variant is not present in population databases (ExAC no frequency). This sequence change replaces glutamic acid with glycine at codon 26 of the CTNNA1 protein (p.Glu26Gly). The glutamic acid residue is highly conserved and there is a moderate physicochemical difference between glutamic acid and glycine.

NM_001903.5(CTNNA1):c.77A>G (p.Glu26Gly)

Gene: CTNNA1 (catenin alpha 1; plus strand). Cytogenetic location: 5q31.2.
Variant type: single nucleotide variant.
Coding change: c.77A>G on transcript NM_001903.5 (MANE Select); coding-DNA position 77, A replaced by G.
Protein change: p.Glu26Gly; replaces glutamic acid 26 with glycine.
Molecular consequence: missense variant. On other transcripts: 5 prime UTR variant (2).
Genome position (GRCh38, 1-based): chr5:138,782,001, A>G. VCF-style: chr5-138782001-A-G. GRCh37 (hg19) VCF-style: chr5-138117690-A-G.
Other names: c.77A>G, p.Glu26Gly (NM_001290307.3, NM_001323982.2, NM_001323983.1 and 3 more transcripts); c.-37A>G (NM_001290309.3); c.-130A>G (NM_001290310.3); short protein forms E26G.
Identifiers: ClinVar variation 1361728 (VCV001361728.8), dbSNP rs2149652026, ClinGen allele CA361477186.